The following is an entry in ClinVar:

NM_133379.5(TTN):c.11196G>C (p.Leu3732Phe)

Gene: TTN (titin; minus strand). Cytogenetic location: 2q31.2.
Variant type: single nucleotide variant.
Coding change: c.11196G>C on transcript NM_133379.5; coding-DNA position 11196, G replaced by C.
Protein change: p.Leu3732Phe; replaces leucine 3732 with phenylalanine.
Molecular consequence: missense variant. On other transcripts: intron variant (6).
Genome position (GRCh38, 1-based): chr2:178,751,204, C>G on the plus strand (G>C on the coding strand, the complement: TTN is on the minus strand). VCF-style: chr2-178751204-C-G. GRCh37 (hg19) VCF-style: chr2-179615931-C-G.
Other names: p.L3732F:TTG>TTC; c.10222+1920G>C (NM_003319.4); c.10798+1920G>C (NM_133437.4); c.11311+1920G>C (NM_001267550.2); c.11196G>C (NM_133379.4); c.10597+1920G>C (NM_133432.3); c.10360+1920G>C (NM_133378.4, NM_001256850.1); short protein forms L3732F.
Identifiers: ClinVar variation 47735 (VCV000047735.11), dbSNP rs922985, ClinGen allele CA284434.
Genomic context (GRCh38, chr2:178,751,204, plus strand): 5'-AGATCTGATTTTCATGTCCTCTCTAGAGAACAGAATATCTTTATCACTAGCTTCACTTCT[C>G]AAAGTTCTTGAGCTTATTTCAGAAGACGTATCTAAAAGAGATAATTTCTTTTTCTCCATT-3'

ClinVar aggregate classification (germline): Benign. Review status: criteria provided, multiple submitters, no conflicts (2 of 4 stars). 8 submissions from 8 submitters: Benign (6). 2 of the submissions do not count toward it. Last evaluated 2025-04-09.

Allele frequency attached by ClinVar (database versions not stated): ESP Exome Variant Server 0.97245; 1000 Genomes Project 30x 0.97267; TOPMed 0.97297; gnomAD 0.97449 and 0.97616; 1000 Genomes Project 0.97504; ExAC 0.99261; gnomAD exomes 0.99417.

Submissions (8):

Molecular Diagnostic Laboratory for Inherited Cardiovascular Disease, Montreal Heart Institute
Classification: Benign. Last evaluated: 2025-04-09. Review status: criteria provided, single submitter. Criteria: ACMG Guidelines, 2015. Collection method: clinical testing. Allele origin: germline. Affected: no.

Blueprint Genetics
Classification: Benign. Last evaluated: 2024-11-26. Review status: criteria provided, single submitter. Criteria: ACMG Guidelines, 2015. Collection method: clinical testing. Allele origin: germline.

GeneDx
Classification: Benign. Last evaluated: 2014-01-21. Review status: criteria provided, single submitter. Criteria: GeneDx Variant Classification (06012015). Collection method: clinical testing. Allele origin: germline. Affected: yes.
Comment: This variant is considered likely benign or benign based on one or more of the following criteria: it is a conservative change, it occurs at a poorly conserved position in the protein, it is predicted to be benign by multiple in silico algorithms, and/or has population frequency not consistent with disease.

Biesecker Lab/Clinical Genomics Section, National Institutes of Health
Classification: Benign. Last evaluated: 2013-06-24. Review status: criteria provided, single submitter. Criteria: Ng et al. (Circ Cardiovasc Genet. 2013). Collection method: research. Allele origin: unknown. Observed: 859 variant alleles. Study: ClinSeq.
Comment: The study set was not selected for affection status in relation to any cancer. Pathogenicity categories were based on literature curation. See Pubmed ID:23861362 for details.

Medical sequencing

Laboratory for Molecular Medicine, Mass General Brigham Personalized Medicine
Classification: Benign. Last evaluated: 2011-09-16. Review status: criteria provided, single submitter. Criteria: LMM Criteria. Collection method: clinical testing. Allele origin: germline. Observed: 1,626 variant alleles.

Breakthrough Genomics
Classification: Benign. Review status: criteria provided, single submitter. Criteria: ACMG Guidelines, 2015. Collection method: not provided. Allele origin: germline. Inheritance: Autosomal recessive inheritance. Affected: yes.

Clinical Genetics, Academic Medical Center
Classification: Benign. Review status: no assertion criteria provided. Collection method: clinical testing. Allele origin: germline. Affected: yes. Study: VKGL Data-share Consensus. Not counted in ClinVar's aggregate classification.

Diagnostic Laboratory, Department of Genetics, University Medical Center Groningen
Classification: Benign. Review status: no assertion criteria provided. Collection method: clinical testing. Allele origin: germline. Affected: yes. Study: VKGL Data-share Consensus. Not counted in ClinVar's aggregate classification.